The following is an entry in ClinVar:

NM_172107.4(KCNQ2):c.518dup (p.Met174fs)

Gene: KCNQ2 (potassium voltage-gated channel subfamily Q member 2; minus strand). Cytogenetic location: 20q13.33.
Variant type: Duplication.
Coding change: c.518dup on transcript NM_172107.4 (MANE Select); coding-DNA position 518, one base duplicated (T; older notation c.518dupT).
Protein change: p.Met174fs; shifts the reading frame from methionine 174.
Molecular consequence: frameshift variant.
Genome position (GRCh38, 1-based): chr20:63,444,831, A duplicated on the plus strand (T on the coding strand, the reverse complement: KCNQ2 is on the minus strand). VCF-style (leftmost placement, unchanged base first): chr20-63444830-G-GA. GRCh37 (hg19) VCF-style: chr20-62076183-G-GA.
Other names: c.518dup, p.Met174fs (NM_004518.6, NM_172106.3, NM_172108.5 and 1 more transcripts); short protein forms M174fs.
Identifiers: ClinVar variation 503884 (VCV000503884.2), dbSNP rs1555873813, ClinGen allele CA658799390.

ClinVar aggregate classification (germline): Pathogenic (1 of 4 stars; one submission).

Submission:

GeneDx
Classification: Pathogenic. Last evaluated: 2017-12-04. Review status: criteria provided, single submitter. Criteria: GeneDx Variant Classification (06012015). Collection method: clinical testing. Allele origin: germline. Affected: yes.
Comment: The c.518dupT pathogenic variant in the KCNQ2 gene causes a frameshift starting with codon Methionine 174, changes this amino acid to a Histidine residue and creates a premature Stop codon at position 89 of the new reading frame, denoted p.Met174HisfsX89. This pathogenic variant is predicted to cause loss of normal protein function either through protein truncation or nonsense-mediated mRNA decay. The c.518dupT variant is not observed in large population cohorts (Lek et al., 2016).